The following is an entry in ClinVar:

NM_004655.4(AXIN2):c.122G>A (p.Gly41Asp)

Gene: AXIN2 (axin 2; minus strand). Cytogenetic location: 17q24.1.
Variant type: single nucleotide variant.
Coding change: c.122G>A on transcript NM_004655.4 (MANE Select); coding-DNA position 122, G replaced by A.
Protein change: p.Gly41Asp; replaces glycine 41 with aspartic acid.
Molecular consequence: missense variant.
Genome position (GRCh38, 1-based): chr17:65,558,499, C>T on the plus strand (G>A on the coding strand, the complement: AXIN2 is on the minus strand). VCF-style: chr17-65558499-C-T. GRCh37 (hg19) VCF-style: chr17-63554617-C-T.
Other names: c.122G>A (LRG_296t1); c.122G>A, p.Gly41Asp (NM_001363813.1); short protein forms G41D.
Identifiers: ClinVar variation 566694 (VCV000566694.12), dbSNP rs751061508, ClinGen allele CA8719098.

ClinVar aggregate classification (germline): Uncertain significance. Review status: criteria provided, multiple submitters, no conflicts (2 of 4 stars). 3 submissions from 3 submitters: Uncertain significance (3). Last evaluated 2025-10-22.

Conditions:
Oligodontia-cancer predisposition syndrome. Also called: TOOTH AGENESIS-COLORECTAL CANCER SYNDROME. Identifiers: Orphanet 300576, MedGen C1837750, MONDO:0012075, OMIM 608615. Disease mechanism: loss of function.
Hereditary cancer-predisposing syndrome. Also called: Neoplastic Syndromes, Hereditary; Tumor predisposition; Hereditary neoplastic syndrome; Hereditary Cancer Syndrome. Identifiers: Orphanet 140162, MedGen C0027672, MeSH D009386, MONDO:0015356.

Allele frequency attached by ClinVar (database versions not stated): ExAC 0.00002.

Submissions (3):

Ambry Genetics
Classification: Uncertain significance for Hereditary cancer-predisposing syndrome. Last evaluated: 2025-10-22. Review status: criteria provided, single submitter. Criteria: Ambry Variant Classification Scheme 2023. Collection method: clinical testing. Allele origin: germline.
Comment: The p.G41D variant (also known as c.122G>A), located in coding exon 1 of the AXIN2 gene, results from a G to A substitution at nucleotide position 122. The glycine at codon 41 is replaced by aspartic acid, an amino acid with similar properties. This amino acid position is conserved. In addition, this alteration is predicted to be tolerated by in silico analysis. Based on the available evidence, the clinical significance of this variant remains unclear.

Labcorp Genetics (formerly Invitae), Labcorp
Classification: Uncertain significance for Oligodontia-cancer predisposition syndrome. Last evaluated: 2025-06-23. Review status: criteria provided, single submitter. Criteria: Invitae Variant Classification Sherloc (09022015). Collection method: clinical testing. Allele origin: germline.
Comment: This sequence change replaces glycine, which is neutral and non-polar, with aspartic acid, which is acidic and polar, at codon 41 of the AXIN2 protein (p.Gly41Asp). This variant is present in population databases (rs751061508, gnomAD 0.007%). This variant has not been reported in the literature in individuals affected with AXIN2-related conditions. ClinVar contains an entry for this variant (Variation ID: 566694). Invitae Evidence Modeling of protein sequence and biophysical properties (such as structural, functional, and spatial information, amino acid conservation, physicochemical variation, residue mobility, and thermodynamic stability) indicates that this missense variant is not expected to disrupt AXIN2 protein function with a negative predictive value of 80%. In summary, the available evidence is currently insufficient to determine the role of this variant in disease. Therefore, it has been classified as a Variant of Uncertain Significance.

Quest Diagnostics Nichols Institute San Juan Capistrano
Classification: Uncertain significance. Last evaluated: 2024-10-04. Review status: criteria provided, single submitter. Criteria: Quest Diagnostics criteria. Collection method: clinical testing. Allele origin: unknown.
Comment: The AXIN2 c.122G>A (p.Gly41Asp) variant has not been reported in individuals with AXIN2-related conditions in the published literature. The frequency of this variant in the general population, 0.000008 (2/249714 chromosomes (Genome Aggregation Database)), is uninformative in the assessment of its pathogenicity. Analysis of this variant using bioinformatics tools for the prediction of the effect of amino acid changes on protein structure and function yielded conflicting predictions that this variant is benign or damaging. Based on the available information, we are unable to determine the clinical significance of this variant.